The following is an entry in ClinVar:

ClinVar aggregate classification (germline): Likely benign (0 of 4 stars; one submission).

Conditions:
SPART-related disorder. Also called: SPART-related condition.

Submission:

PreventionGenetics, part of Exact Sciences
Classification: Likely benign for SPART-related condition. Last evaluated: 2019-03-08. Review status: no assertion criteria provided. Collection method: clinical testing. Allele origin: germline.
Comment: This variant is classified as likely benign based on ACMG/AMP sequence variant interpretation guidelines (Richards et al. 2015 PMID: 25741868, with internal and published modifications).

NM_015087.5(SPART):c.675A>C (p.Pro225=)

Gene: SPART (spartin; minus strand). Cytogenetic location: 13q13.3.
Variant type: single nucleotide variant.
Coding change: c.675A>C on transcript NM_015087.5 (MANE Select); coding-DNA position 675, A replaced by C.
Protein change: p.Pro225=; no amino-acid change (proline 225 retained).
Molecular consequence: synonymous variant.
Genome position (GRCh38, 1-based): chr13:36,335,156, T>G on the plus strand (A>C on the coding strand, the complement: SPART is on the minus strand). VCF-style: chr13-36335156-T-G. GRCh37 (hg19) VCF-style: chr13-36909293-T-G.
Other names: c.675A>C, p.Pro225= (NM_001142294.2, NM_001142295.2, NM_001142296.2).
Identifiers: ClinVar variation 3353080 (VCV003353080.1).